The following is an entry in ClinVar:

ClinVar aggregate classification (germline): Uncertain significance (1 of 4 stars; one submission).

Submission:

GeneDx
Classification: Uncertain significance. Last evaluated: 2024-07-17. Review status: criteria provided, single submitter. Criteria: GeneDx Variant Classification Process June 2021. Collection method: clinical testing. Allele origin: germline. Affected: yes.
Comment: Not observed at significant frequency in large population cohorts (gnomAD); In silico analysis indicates that this missense variant does not alter protein structure/function; Has not been previously published as pathogenic or benign to our knowledge

NM_001366145.2(TRPM3):c.4471C>A (p.Leu1491Ile)

Genes: KLF9-DT (KLF9 divergent transcript; plus strand), TRPM3 (transient receptor potential cation channel subfamily M member 3; minus strand). Cytogenetic location: 9q21.12.
Variant type: single nucleotide variant.
Coding change: c.4471C>A on transcript NM_001366145.2 (MANE Select); coding-DNA position 4471, C replaced by A.
Protein change: p.Leu1491Ile; replaces leucine 1491 with isoleucine.
Molecular consequence: missense variant. On other transcripts: intron variant (8).
Genome position (GRCh38, 1-based): chr9:70,536,642, G>T on the plus strand (C>A on the coding strand, the complement: TRPM3 is on the minus strand). VCF-style: chr9-70536642-G-T. GRCh37 (hg19) VCF-style: chr9-73151558-G-T.
Other names: c.4435C>A, p.Leu1479Ile (NM_001007471.4); c.4441C>A, p.Leu1481Ile (NM_001366141.2, NM_001366149.2); c.4546C>A, p.Leu1516Ile (NM_001366147.2); c.3976C>A, p.Leu1326Ile (NM_020952.6); c.4012C>A, p.Leu1338Ile (NM_024971.7); c.3946C>A, p.Leu1316Ile (NM_206944.5); c.3982C>A, p.Leu1328Ile (NM_206945.5); c.4051C>A, p.Leu1351Ile (NM_206946.5); and 9 more; short protein forms L1316I, L1326I, L1328I, L1338I, L1341I, L1351I, L1479I, L1481I.
Identifiers: ClinVar variation 3573576 (VCV003573576.1).